The following is an entry in ClinVar:

ClinVar aggregate classification (germline): Uncertain significance. Review status: criteria provided, multiple submitters, no conflicts (2 of 4 stars). 2 submissions from 2 submitters: Uncertain significance (2). Last evaluated 2024-12-07.

Conditions:
Familial thoracic aortic aneurysm and aortic dissection (TAAD). Also called: Thoracic aortic aneurysms and dissections. Identifiers: Orphanet 91387, MedGen C4707243, MONDO:0019625.

Allele frequency attached by ClinVar (database versions not stated): gnomAD exomes below 0.00001; TOPMed 0.00001; ExAC 0.00002; gnomAD 0.00003; ESP Exome Variant Server 0.00015.
gnomAD v4.1: 8 of 1,613,618 alleles (0.0005%); highest among the groups gnomAD compares: African/African-American, 0.0067%; no homozygotes.

Submissions (2):

Ambry Genetics
Classification: Uncertain significance for Familial thoracic aortic aneurysm and aortic dissection. Last evaluated: 2024-12-07. Review status: criteria provided, single submitter. Criteria: Ambry Variant Classification Scheme 2023. Collection method: clinical testing. Allele origin: germline.
Comment: The p.M223T variant (also known as c.668T>C), located in coding exon 7 of the PLOD1 gene, results from a T to C substitution at nucleotide position 668. The methionine at codon 223 is replaced by threonine, an amino acid with similar properties. This amino acid position is conserved. In addition, this alteration is predicted to be tolerated by in silico analysis. Since supporting evidence is limited at this time, the clinical significance of this alteration remains unclear.

GeneDx
Classification: Uncertain significance. Last evaluated: 2024-01-30. Review status: criteria provided, single submitter. Criteria: GeneDx Variant Classification Process June 2021. Collection method: clinical testing. Allele origin: germline. Affected: yes.
Comment: Has not been previously published as pathogenic or benign to our knowledge; Not observed at significant frequency in large population cohorts (gnomAD); In silico analysis supports that this missense variant does not alter protein structure/function

NM_000302.4(PLOD1):c.668T>C (p.Met223Thr)

Gene: PLOD1 (procollagen-lysine,2-oxoglutarate 5-dioxygenase 1; plus strand). Cytogenetic location: 1p36.22.
Variant type: single nucleotide variant.
Coding change: c.668T>C on transcript NM_000302.4 (MANE Select); coding-DNA position 668, T replaced by C.
Protein change: p.Met223Thr; replaces methionine 223 with threonine.
Molecular consequence: missense variant.
Genome position (GRCh38, 1-based): chr1:11,956,941, T>C. VCF-style: chr1-11956941-T-C. GRCh37 (hg19) VCF-style: chr1-12016998-T-C.
Other names: c.809T>C, p.Met270Thr (NM_001316320.2); short protein forms M223T, M270T.
Identifiers: ClinVar variation 2450245 (VCV002450245.4), dbSNP rs377072582, ClinGen allele CA598047.
Genomic context (GRCh38, chr1:11,956,941, plus strand): 5'-CTGATGCTGGGTGGGACTGTGCTTTCTGACCCCCAGATGAGGTCGTGCTCAAGTTTGAAA[T>C]GGGCCATGTGAGAGCGAGGAACCTGGCCTATGACACCCTCCCGGTCCTGATCCATGGCAA-3'
Protein context (NP_000293.2, residues 213-233): ALDEVVLKFE[Met223Thr]GHVRARNLAY